The following is an entry in ClinVar:

NM_015717.5(CD207):c.833T>C (p.Val278Ala)

Genes: CD207 (CD207 molecule; minus strand), LOC126806248 (BRD4-independent group 4 enhancer GRCh37_chr2:71057644-71058843; plus strand). Cytogenetic location: 2p13.3.
Variant type: single nucleotide variant.
Coding change: c.833T>C on transcript NM_015717.5 (MANE Select); coding-DNA position 833, T replaced by C.
Protein change: p.Val278Ala; replaces valine 278 with alanine.
Molecular consequence: missense variant.
Genome position (GRCh38, 1-based): chr2:70,831,704, A>G on the plus strand (T>C on the coding strand, the complement: CD207 is on the minus strand). VCF-style: chr2-70831704-A-G. GRCh37 (hg19) VCF-style: chr2-71058835-A-G.
Other names: short protein forms V278A.
Identifiers: ClinVar variation 3059640 (VCV003059640.2), dbSNP rs741326, ClinGen allele CA1700289.

ClinVar aggregate classification (germline): Benign (0 of 4 stars; one submission).

Conditions:
CD207-related disorder. Also called: CD207-related condition.

Allele frequency attached by ClinVar (database versions not stated): ESP Exome Variant Server 0.43722; TOPMed 0.46043; gnomAD 0.46609; 1000 Genomes Project 30x 0.53919; 1000 Genomes Project 0.54533.
gnomAD v4.1: 714,444 of 1,598,148 alleles (45%); highest among the groups gnomAD compares: East Asian, 69%; 163,166 homozygotes.

Submission:

PreventionGenetics, part of Exact Sciences
Classification: Benign for CD207-related condition. Last evaluated: 2019-10-17. Review status: no assertion criteria provided. Collection method: clinical testing. Allele origin: germline.
Comment: This variant is classified as benign based on ACMG/AMP sequence variant interpretation guidelines (Richards et al. 2015 PMID: 25741868, with internal and published modifications).